The following is an entry in ClinVar:

NM_001252024.2(TRPM1):c.3572del (p.Glu1191fs)

Genes: TRPM1-AS1 (TRPM1 antisense RNA 1; plus strand), TRPM1 (transient receptor potential cation channel subfamily M member 1; minus strand), LOC126862088 (BRD4-independent group 4 enhancer GRCh37_chr15:31318084-31319283; plus strand). Cytogenetic location: 15q13.3.
Variant type: Deletion.
Coding change: c.3572del on transcript NM_001252024.2 (MANE Select); coding-DNA position 3572, one base deleted (A; older notation c.3572delA).
Protein change: p.Glu1191fs; shifts the reading frame from glutamic acid 1191.
Molecular consequence: frameshift variant.
Genome position (GRCh38, 1-based): chr15:31,026,196, T deleted on the plus strand (A on the coding strand, the reverse complement: TRPM1 is on the minus strand). VCF-style (leftmost placement, unchanged base first): chr15-31026195-CT-C. GRCh37 (hg19) VCF-style: chr15-31318398-CT-C.
Other names: c.3623del, p.Glu1208fs (NM_001252020.2); c.3506del, p.Glu1169fs (NM_002420.6); short protein forms E1169fs, E1191fs, E1208fs.
Identifiers: ClinVar variation 3363167 (VCV003363167.2).

ClinVar aggregate classification (germline): Pathogenic (1 of 4 stars; one submission).

Conditions:
Congenital stationary night blindness 1C. Also called: Night blindness, congenital stationary (complete), 1C, autosomal recessive. Identifiers: Orphanet 215, MedGen C2750747, MONDO:0013183, OMIM 613216.

Submission:

SN ONGC Dept of Genetics and Molecular biology Vision Research Foundation
Classification: Pathogenic for Congenital stationary night blindness 1C. Last evaluated: 2024-10-21. Review status: criteria provided, single submitter. Criteria: ACMG Guidelines, 2015. Collection method: research. Allele origin: biparental. Inheritance: Autosomal recessive inheritance. Affected: yes. Observed: 1 homozygote.
Comment: The c.3623 del variant in TRPM1 has been identified in an Indian study in an homozygous state exhibiting an autosomal recessive inheritance pattern. The variant was found to segregate with the disease in both parents. Notably, it was absent in 100 screened control individuals.